The following is an entry in ClinVar:

NM_003108.4(SOX11):c.1013C>A (p.Ser338Ter)

Gene: SOX11 (SRY-box transcription factor 11; plus strand). Cytogenetic location: 2p25.2.
Variant type: single nucleotide variant.
Coding change: c.1013C>A on transcript NM_003108.4 (MANE Select); coding-DNA position 1013, C replaced by A.
Protein change: p.Ser338Ter; replaces serine 338 with a stop codon.
Molecular consequence: nonsense.
Genome position (GRCh38, 1-based): chr2:5,693,734, C>A. VCF-style: chr2-5693734-C-A. GRCh37 (hg19) VCF-style: chr2-5833866-C-A.
Other names: short protein forms S338*.
Identifiers: ClinVar variation 3255502 (VCV003255502.1), dbSNP rs1339382294.
Genomic context (GRCh38, chr2:5,693,734, plus strand): 5'-TCACCAAGCAGCACCCGCCGCCGCTCGCGCAGCCCGCGCTGTCGCCCGCGTCCTCGCGCT[C>A]GGTGTCCACCTCCTCGTCCAGCAGCAGCGGCAGCAGCAGCGGCAGCAGCGGCGAGGACGC-3'

ClinVar aggregate classification (germline): Uncertain significance (1 of 4 stars; one submission).

Conditions:
Intellectual developmental disorder with microcephaly and with or without ocular malformations or hypogonadotropic hypogonadism. Also called: Intellectual disability, autosomal dominant 27; Coffin-Siris Syndrome 9. Identifiers: Orphanet 1465, MedGen C4014528, MONDO:0014376, OMIM 615866.

Submission:

University of Washington Department of Laboratory Medicine, University of Washington
Classification: Uncertain significance for Intellectual developmental disorder with microcephaly and with or without ocular malformations or hypogonadotropic hypogonadism. Last evaluated: 2023-08-29. Review status: criteria provided, single submitter. Criteria: ACMG Guidelines, 2015. Collection method: clinical testing. Allele origin: germline. Affected: yes.
Comment: The p.Ser338* variant in the SOX11 gene has not been previously reported in association with disease and was absent from large population databases, including the Genome Aggregation Database. This variant leads to a premature termination in the single coding exon of SOX11. Premature termination at this location is not predicted to undergo nonsense-mediated decay; increasing the likelihood a truncated protein is made. These predictions have not been tested directly. Heterozygous loss of function leading to haploinsufficiency of the SOX11 gene is an established mechanism of disease. Using ACMG guidelines, this variant was classified as a variant of uncertain significance (ACMG evidence codes used: PVS1_strong, PM2_supporting).